The following is an entry in ClinVar:

NM_004946.3(DOCK2):c.1597A>G (p.Lys533Glu)

Gene: DOCK2 (dedicator of cytokinesis 2; plus strand). Cytogenetic location: 5q35.1.
Variant type: single nucleotide variant.
Coding change: c.1597A>G on transcript NM_004946.3 (MANE Select); coding-DNA position 1597, A replaced by G.
Protein change: p.Lys533Glu; replaces lysine 533 with glutamic acid.
Molecular consequence: missense variant. On other transcripts: non-coding transcript variant (1).
Genome position (GRCh38, 1-based): chr5:169,712,161, A>G. VCF-style: chr5-169712161-A-G. GRCh37 (hg19) VCF-style: chr5-169139165-A-G.
Other names: c.1597A>G, p.Lys533Glu (LRG_1227t1); short protein forms K533E.
Identifiers: ClinVar variation 652986 (VCV000652986.9), dbSNP rs375363462, ClinGen allele CA3553526.

ClinVar aggregate classification (germline): Uncertain significance. Review status: criteria provided, multiple submitters, no conflicts (2 of 4 stars). 4 submissions from 4 submitters: Uncertain significance (4). Last evaluated 2024-11-13.

Conditions:
Inborn genetic diseases. Identifiers: MedGen C0950123, MeSH D030342.
DOCK2 deficiency. Also called: Immunodeficiency 40. Identifiers: Orphanet 447737, MedGen C4225328, MONDO:0014637, OMIM 616433.

Allele frequency attached by ClinVar (database versions not stated): ExAC 0.00002; gnomAD exomes 0.00003 and 0.00004; TOPMed 0.00004; gnomAD 0.00005; ESP Exome Variant Server 0.00008.
gnomAD v4.1: 53 of 1,614,012 alleles (0.0033%); highest among the groups gnomAD compares: Middle Eastern, 0.033%; no homozygotes.

Submissions (4):

Labcorp Genetics (formerly Invitae), Labcorp
Classification: Uncertain significance for DOCK2 deficiency. Last evaluated: 2024-11-13. Review status: criteria provided, single submitter. Criteria: Invitae Variant Classification Sherloc (09022015). Collection method: clinical testing. Allele origin: germline.
Comment: This sequence change replaces lysine, which is basic and polar, with glutamic acid, which is acidic and polar, at codon 533 of the DOCK2 protein (p.Lys533Glu). This variant is present in population databases (rs375363462, gnomAD 0.009%). This variant has not been reported in the literature in individuals affected with DOCK2-related conditions. ClinVar contains an entry for this variant (Variation ID: 652986). An algorithm developed to predict the effect of missense changes on protein structure and function (PolyPhen-2) suggests that this variant¬†is likely to be tolerated. In summary, the available evidence is currently insufficient to determine the role of this variant in disease. Therefore, it has been classified as a Variant of Uncertain Significance.

Blueprint Genetics
Classification: Uncertain significance. Last evaluated: 2024-11-05. Review status: criteria provided, single submitter. Criteria: ACMG Guidelines, 2015. Collection method: clinical testing. Allele origin: germline.

Ambry Genetics
Classification: Uncertain significance for Inborn genetic diseases. Last evaluated: 2022-08-08. Review status: criteria provided, single submitter. Criteria: Ambry Variant Classification Scheme 2023. Collection method: clinical testing. Allele origin: germline.

Laboratorio de Genetica e Diagnostico Molecular, Hospital Israelita Albert Einstein
Classification: Uncertain significance. Last evaluated: 2022-03-28. Review status: criteria provided, single submitter. Criteria: ACMG Guidelines, 2015. Collection method: clinical testing. Allele origin: germline. Affected: yes.
Comment: ACMG classification criteria: PM2, BP4